The following is an entry in ClinVar:

ClinVar aggregate classification (germline): Uncertain significance. Review status: criteria provided, multiple submitters, no conflicts (2 of 4 stars). 3 submissions from 3 submitters: Uncertain significance (3). Last evaluated 2025-02-16.

Conditions:
Congenital heart defects, multiple types, 5. Identifiers: MedGen C4693563, MONDO:0060663, OMIM 617912.

Allele frequency attached by ClinVar (database versions not stated): ESP Exome Variant Server 0.00008.
gnomAD v4.1: 2 of 1,570,364 alleles (0.00013%); highest among the groups gnomAD compares: Admixed American, 0.0019%; no homozygotes.

Submissions (3):

Labcorp Genetics (formerly Invitae), Labcorp
Classification: Uncertain significance. Last evaluated: 2025-02-16. Review status: criteria provided, single submitter. Criteria: Invitae Variant Classification Sherloc (09022015). Collection method: clinical testing. Allele origin: germline.
Comment: This sequence change replaces threonine, which is neutral and polar, with lysine, which is basic and polar, at codon 252 of the GATA5 protein (p.Thr252Lys). The frequency data for this variant in the population databases is considered unreliable, as metrics indicate poor data quality at this position in the gnomAD database. This variant has not been reported in the literature in individuals affected with GATA5-related conditions. ClinVar contains an entry for this variant (Variation ID: 1251953). Invitae Evidence Modeling of protein sequence and biophysical properties (such as structural, functional, and spatial information, amino acid conservation, physicochemical variation, residue mobility, and thermodynamic stability) indicates that this missense variant is expected to disrupt GATA5 protein function with a positive predictive value of 80%. In summary, the available evidence is currently insufficient to determine the role of this variant in disease. Therefore, it has been classified as a Variant of Uncertain Significance.

Ambry Genetics
Classification: Uncertain significance. Last evaluated: 2025-01-17. Review status: criteria provided, single submitter. Criteria: Ambry Variant Classification Scheme 2023. Collection method: clinical testing. Allele origin: germline.

HudsonAlpha Institute for Biotechnology
Classification: Uncertain significance for Congenital heart defects, multiple types, 5. Last evaluated: 2021-07-06. Review status: criteria provided, single submitter. Criteria: ACMG Guidelines, 2015. Collection method: research. Allele origin: unknown. Observed: 1 variant allele. Study: HudsonAlpha-AGHI-WGS.
Comment: ACMG codes:PM2, PP3

NM_080473.5(GATA5):c.755C>A (p.Thr252Lys)

Gene: GATA5 (GATA binding protein 5; minus strand). Cytogenetic location: 20q13.33.
Variant type: single nucleotide variant.
Coding change: c.755C>A on transcript NM_080473.5 (MANE Select); coding-DNA position 755, C replaced by A.
Protein change: p.Thr252Lys; replaces threonine 252 with lysine.
Molecular consequence: missense variant.
Genome position (GRCh38, 1-based): chr20:62,466,496, G>T on the plus strand (C>A on the coding strand, the complement: GATA5 is on the minus strand). VCF-style: chr20-62466496-G-T. GRCh37 (hg19) VCF-style: chr20-61041552-G-T.
Other names: c.755C>A (NM_080473.4); short protein forms T252K.
Identifiers: ClinVar variation 1251953 (VCV001251953.5), dbSNP rs143901995, ClinGen allele CA409553968.